The following is an entry in ClinVar:

NM_000117.3(EMD):c.265+1G>A

Gene: EMD (emerin; plus strand). Cytogenetic location: Xq28.
Variant type: single nucleotide variant.
Coding change: c.265+1G>A on transcript NM_000117.3 (MANE Select); the canonical splice donor site of the intron after coding-DNA position 265, G replaced by A.
Molecular consequence: splice donor variant.
Genome position (GRCh38, 1-based): chrX:154,380,020, G>A. VCF-style: chrX-154380020-G-A. GRCh37 (hg19) VCF-style: chrX-153608380-G-A.
Identifiers: ClinVar variation 4731943 (VCV004731943.2).

ClinVar aggregate classification (germline): Likely pathogenic. Review status: criteria provided, multiple submitters, no conflicts (2 of 4 stars). 2 submissions from 2 submitters: Likely pathogenic (2). Last evaluated 2026-03-11.

Conditions:
Emery-Dreifuss muscular dystrophy 1, X-linked (EDMD1). Also called: Muscular dystrophy, tardive, Dreifuss-Emery type, with contractures; EMD-Related Emery-Dreifuss Muscular Dystrophy, X-Linked; SCAPULOPERONEAL SYNDROME, X-LINKED; HUMEROPERONEAL NEUROMUSCULAR DISEASE. Identifiers: MedGen CN375556, MONDO:0100531, OMIM 310300.
X-linked Emery-Dreifuss muscular dystrophy. Also called: Muscular dystrophy, tardive Emery-Dreifuss type, with contractures. Identifiers: Orphanet 261, Orphanet 98863, MedGen C0751337, MONDO:0010680.

Submissions (2):

Women's Health and Genetics/Laboratory Corporation of America, LabCorp
Classification: Likely pathogenic for X-linked Emery-Dreifuss muscular dystrophy. Last evaluated: 2026-03-11. Review status: criteria provided, single submitter. Criteria: LabCorp Variant Classification Summary - May 2015. Collection method: clinical testing. Allele origin: germline.
Comment: Variant summary: EMD c.265+1G>A is located in a canonical splice-site and is predicted to affect mRNA splicing resulting in a significantly altered protein due to either exon skipping, shortening, or inclusion of intronic material. Variants that disrupt the consensus splice site are a relatively common cause of aberrant splicing and loss of EMD function. Several computational tools predict a significant impact on normal splicing: Four predict the variant abolishes a 5' splicing donor site. One predicts the variant weakens a cryptic 3' acceptor site. However, these predictions have yet to be confirmed by functional studies. The variant was absent in 183315 control chromosomes. To our knowledge, no occurrence of c.265+1G>A in individuals affected with EMD-related conditions and no experimental evidence demonstrating its impact on protein function have been reported. ClinVar contains an entry for this variant (Variation ID: 4731943). Based on the evidence outlined above, the variant was classified as likely pathogenic.

Labcorp Genetics (formerly Invitae), Labcorp
Classification: Likely pathogenic for X-linked Emery-Dreifuss muscular dystrophy. Last evaluated: 2025-11-25. Review status: criteria provided, single submitter. Criteria: Invitae Variant Classification Sherloc (09022015). Collection method: clinical testing. Allele origin: germline.
Comment: This sequence change affects a donor splice site in intron 3 of the EMD gene. It is expected to disrupt RNA splicing. Variants that disrupt the donor or acceptor splice site typically lead to a loss of protein function (PMID: 16199547), and loss-of-function variants in EMD are known to be pathogenic (PMID: 24365856). This variant is not present in population databases (gnomAD no frequency). This variant has not been reported in the literature in individuals affected with EMD-related conditions. Algorithms developed to predict the effect of sequence changes on RNA splicing suggest that this variant may disrupt the consensus splice site. In summary, the currently available evidence indicates that the variant is pathogenic, but additional data are needed to prove that conclusively. Therefore, this variant has been classified as Likely Pathogenic.

Literature cited by the submitters: PubMed 16199547 (cited by Labcorp Genetics (formerly Invitae), Labcorp); PubMed 24365856 (cited by Labcorp Genetics (formerly Invitae), Labcorp).